The following is an entry in ClinVar:

ClinVar aggregate classification (germline): Uncertain significance (1 of 4 stars; one submission).

Conditions:
Emery-Dreifuss muscular dystrophy 5, autosomal dominant (EDMD5). Also called: EMERY-DREIFUSS MUSCULAR DYSTROPHY 5. Identifiers: Orphanet 261, MedGen C2751805, MONDO:0013072, OMIM 612999.

Allele frequency attached by ClinVar (database versions not stated): ExAC 0.00002; gnomAD exomes 0.00002 and 0.00003; TOPMed 0.00002; gnomAD 0.00003; ESP Exome Variant Server 0.00008.
gnomAD v4.1: 44 of 1,614,058 alleles (0.0027%); highest among the groups gnomAD compares: South Asian, 0.027%; no homozygotes.

Submission:

Labcorp Genetics (formerly Invitae), Labcorp
Classification: Uncertain significance for Emery-Dreifuss muscular dystrophy 5, autosomal dominant. Last evaluated: 2023-06-21. Review status: criteria provided, single submitter. Criteria: Invitae Variant Classification Sherloc (09022015). Collection method: clinical testing. Allele origin: germline.
Comment: In summary, the available evidence is currently insufficient to determine the role of this variant in disease. Therefore, it has been classified as a Variant of Uncertain Significance. Algorithms developed to predict the effect of missense changes on protein structure and function output the following: SIFT: "Not Available"; PolyPhen-2: "Benign"; Align-GVGD: "Not Available". The methionine amino acid residue is found in multiple mammalian species, which suggests that this missense change does not adversely affect protein function. ClinVar contains an entry for this variant (Variation ID: 1008200). This variant has not been reported in the literature in individuals affected with SYNE2-related conditions. This variant is present in population databases (rs368522050, gnomAD 0.02%). This sequence change replaces isoleucine, which is neutral and non-polar, with methionine, which is neutral and non-polar, at codon 4800 of the SYNE2 protein (p.Ile4800Met).

NM_182914.3(SYNE2):c.14400A>G (p.Ile4800Met)

Gene: SYNE2 (spectrin repeat containing nuclear envelope protein 2; plus strand). Cytogenetic location: 14q23.2.
Variant type: single nucleotide variant.
Coding change: c.14400A>G on transcript NM_182914.3 (MANE Select); coding-DNA position 14400, A replaced by G.
Protein change: p.Ile4800Met; replaces isoleucine 4800 with methionine.
Molecular consequence: missense variant.
Genome position (GRCh38, 1-based): chr14:64,132,324, A>G. VCF-style: chr14-64132324-A-G. GRCh37 (hg19) VCF-style: chr14-64599042-A-G.
Other names: c.14400A>G, p.Ile4800Met (NM_015180.6); short protein forms I4800M.
Identifiers: ClinVar variation 1008200 (VCV001008200.8), dbSNP rs368522050, ClinGen allele CA7222779.